The following is an entry in ClinVar:

ClinVar aggregate classification (germline): Uncertain significance (1 of 4 stars; one submission).

Conditions:
Familial cancer of breast. Also called: hereditary breast carcinoma; BREAST CANCER, FAMILIAL; Hereditary breast cancer. Identifiers: Orphanet 227535, MedGen C0346153, MONDO:0016419, OMIM 114480. Disease mechanism: loss of function.
Fanconi anemia complementation group J. Also called: BRIP1-Related Fanconi Anemia. Identifiers: Orphanet 84, MedGen C1836860, MONDO:0012187, OMIM 609054.

gnomAD v4.1: 1 of 1,614,022 alleles (0.000062%); highest among the groups gnomAD compares: Non-Finnish European, 0.000085%; no homozygotes.

Submission:

Labcorp Genetics (formerly Invitae), Labcorp
Classification: Uncertain significance for Familial cancer of breast; Fanconi anemia complementation group J. Last evaluated: 2024-10-10. Review status: criteria provided, single submitter. Criteria: Invitae Variant Classification Sherloc (09022015). Collection method: clinical testing. Allele origin: germline.
Comment: This sequence change replaces tyrosine, which is neutral and polar, with serine, which is neutral and polar, at codon 369 of the BRIP1 protein (p.Tyr369Ser). This variant is not present in population databases (gnomAD no frequency). This variant has not been reported in the literature in individuals affected with BRIP1-related conditions. ClinVar contains an entry for this variant (Variation ID: 1001509). Invitae Evidence Modeling of protein sequence and biophysical properties (such as structural, functional, and spatial information, amino acid conservation, physicochemical variation, residue mobility, and thermodynamic stability) indicates that this missense variant is expected to disrupt BRIP1 protein function with a positive predictive value of 95%. In summary, the available evidence is currently insufficient to determine the role of this variant in disease. Therefore, it has been classified as a Variant of Uncertain Significance.

NM_032043.3(BRIP1):c.1106A>C (p.Tyr369Ser)

Gene: BRIP1 (BRCA1 interacting DNA helicase 1; minus strand). Cytogenetic location: 17q23.2.
Variant type: single nucleotide variant.
Coding change: c.1106A>C on transcript NM_032043.3 (MANE Select); coding-DNA position 1106, A replaced by C.
Protein change: p.Tyr369Ser; replaces tyrosine 369 with serine.
Molecular consequence: missense variant.
Genome position (GRCh38, 1-based): chr17:61,801,287, T>G on the plus strand (A>C on the coding strand, the complement: BRIP1 is on the minus strand). VCF-style: chr17-61801287-T-G. GRCh37 (hg19) VCF-style: chr17-59878648-T-G.
Other names: short protein forms Y369S.
Identifiers: ClinVar variation 1001509 (VCV001001509.9), dbSNP rs786202218, ClinGen allele CA400483920.
Genomic context (GRCh38, chr17:61,801,287, plus strand): 5'-GTTCTCATTTTTACACATATACTCACACTTTCCCTTATTTGTGCATCTAGAAGATAGTTG[T>G]AGGGACAAAATATGATGTCAGCATCTTGTATTAGTTCTCGGGCTGTGTAATATGGACAGG-3'
Protein context (NP_114432.2, residues 359-379): IQDADIIFCP[Tyr369Ser]NYLLDAQIRE